The following is an entry in ClinVar:

NM_003001.5(SDHC):c.485C>T (p.Ser162Phe)

Gene: SDHC (succinate dehydrogenase complex subunit C; plus strand). Cytogenetic location: 1q23.3.
Variant type: single nucleotide variant.
Coding change: c.485C>T on transcript NM_003001.5 (MANE Select); coding-DNA position 485, C replaced by T.
Protein change: p.Ser162Phe; replaces serine 162 with phenylalanine.
Molecular consequence: missense variant. On other transcripts: synonymous variant (3), non-coding transcript variant (1).
Genome position (GRCh38, 1-based): chr1:161,362,408, C>T. VCF-style: chr1-161362408-C-T. GRCh37 (hg19) VCF-style: chr1-161332198-C-T.
Other names: c.321C>T, p.Val107= (NM_001035511.3); c.383C>T, p.Ser128Phe (NM_001035512.3); c.326C>T, p.Ser109Phe (NM_001035513.3); c.219C>T, p.Val73= (NM_001278172.3); c.605C>T, p.Ser202Phe (NM_001407115.1); c.428C>T, p.Ser143Phe (NM_001407116.1); c.422C>T, p.Ser141Phe (NM_001407117.1); c.377C>T, p.Ser126Phe (NM_001407118.1); and 2 more; short protein forms S109F, S128F, S162F, S143F, S202F, S125F, S126F, S141F.
Identifiers: ClinVar variation 1008118 (VCV001008118.7), dbSNP rs1553266504, ClinGen allele CA343457914.
Genomic context (GRCh38, chr1:161,362,408, plus strand): 5'-GCCTGAAGATTCCCCAGCTATACCAGTCTGGAGTGGTTGTCCTGGTTCTTACTGTGTTGT[C>T]CTCTATGGGGCTGGCAGCCATGTGAAGAAAGGAGGCTCCCAGCATCATCTTCCTACACAT-3'
Protein context (NP_002992.1, residues 152-169): GVVVLVLTVL[Ser162Phe]SMGLAAM

ClinVar aggregate classification (germline): Uncertain significance. Review status: criteria provided, multiple submitters, no conflicts (2 of 4 stars). 2 submissions from 2 submitters: Uncertain significance (2). Last evaluated 2023-05-04.

Conditions:
Gastrointestinal stromal tumor. Also called: Gastrointestinal stromal tumor, somatic; Gastrointestinal stroma tumor. Identifiers: Orphanet 44890, MedGen C0238198, MeSH D046152, MONDO:0011719, OMIM 606764, HP:0100723.
Pheochromocytoma/paraganglioma syndrome 3. Also called: GLOMUS TUMORS, FAMILIAL, 3; SDHC-Related Hereditary Paraganglioma-Pheochromocytoma Syndrome; Paragangliomas 3; SDHC-Related Hereditary Paraganglioma-Pheochromocytoma Syndrome (Paragangliomas 3). Identifiers: Orphanet 29072, MedGen C1854336, MONDO:0011544, OMIM 605373.
Hereditary pheochromocytoma and paraganglioma. Also called: Hereditary Paraganglioma-Pheochromocytoma Syndromes; Hereditary pheochromocytoma-paraganglioma; Hereditary paragangliomas and pheochromocytomas. Identifiers: Orphanet 29072, MedGen C4274332, MONDO:0017366.

Submissions (2):

All of Us Research Program, National Institutes of Health
Classification: Uncertain significance for Hereditary pheochromocytoma and paraganglioma. Last evaluated: 2023-05-04. Review status: criteria provided, single submitter. Criteria: ACMG Guidelines, 2015. Collection method: clinical testing. Allele origin: germline. Inheritance: Autosomal dominant inheritance. Observed: 1 variant allele, 1 heterozygote.
Comment: This missense variant replaces serine with phenylalanine at codon 162 of the SDHC protein. Computational prediction is inconclusive regarding the impact of this variant on protein structure and function (internally defined REVEL score threshold 0.5 < inconclusive < 0.7, PMID: 27666373). To our knowledge, functional studies have not been reported for this variant. This variant has not been reported in individuals affected with SDHC-related disorders in the literature. This variant has not been identified in the general population by the Genome Aggregation Database (gnomAD). The available evidence is insufficient to determine the role of this variant in disease conclusively. Therefore, this variant is classified as a Variant of Uncertain Significance.

This study involves interpretation of variants in research participants for the purpose of population health screening. Participant phenotype was not available at the time of variant classification. Additional details can be found in publication PMID: 35346344, PMCID: PMC8962531

Labcorp Genetics (formerly Invitae), Labcorp
Classification: Uncertain significance for Pheochromocytoma/paraganglioma syndrome 3; Gastrointestinal stromal tumor. Last evaluated: 2020-08-20. Review status: criteria provided, single submitter. Criteria: Invitae Variant Classification Sherloc (09022015). Collection method: clinical testing. Allele origin: germline.
Comment: In summary, the available evidence is currently insufficient to determine the role of this variant in disease. Therefore, it has been classified as a Variant of Uncertain Significance. Algorithms developed to predict the effect of missense changes on protein structure and function (SIFT, PolyPhen-2, Align-GVGD) all suggest that this variant is likely to be tolerated, but these predictions have not been confirmed by published functional studies and their clinical significance is uncertain. This sequence change replaces serine with phenylalanine at codon 162 of the SDHC protein (p.Ser162Phe). The serine residue is weakly conserved and there is a large physicochemical difference between serine and phenylalanine. This variant is not present in population databases (ExAC no frequency). This variant has not been reported in the literature in individuals with SDHC-related conditions.